The following is an entry in ClinVar:

NM_004187.5(KDM5C):c.237G>A (p.Thr79=)

Gene: KDM5C (lysine demethylase 5C; minus strand). Cytogenetic location: Xp11.22.
Variant type: single nucleotide variant.
Coding change: c.237G>A on transcript NM_004187.5 (MANE Select); coding-DNA position 237, G replaced by A.
Protein change: p.Thr79=; no amino-acid change (threonine 79 retained).
Molecular consequence: synonymous variant. On other transcripts: non-coding transcript variant (2), intron variant (1).
Genome position (GRCh38, 1-based): chrX:53,218,390, C>T on the plus strand (G>A on the coding strand, the complement: KDM5C is on the minus strand). VCF-style: chrX-53218390-C-T. GRCh37 (hg19) VCF-style: chrX-53247572-C-T.
Other names: c.237G>A, p.Thr79= (NM_001282622.3, NM_001353978.3, NM_001353979.2 and 3 more transcripts); c.151-424G>A (NM_001146702.2).
Identifiers: ClinVar variation 3022726 (VCV003022726.16), dbSNP rs370457010, ClinGen allele CA10419704.

ClinVar aggregate classification (germline): Likely benign. Review status: criteria provided, multiple submitters, no conflicts (2 of 4 stars). 2 submissions from 2 submitters: Likely benign (2). Last evaluated 2024-12-01.

Conditions:
Spastic paraplegia. Identifiers: MedGen C0037772, HP:0001258.

Allele frequency attached by ClinVar (database versions not stated): gnomAD 0.00004; TOPMed 0.00004; ESP Exome Variant Server 0.00009.
gnomAD v4.1: 43 of 1,209,113 alleles (0.0036%); highest among the groups gnomAD compares: Middle Eastern, 0.024%; no homozygotes.

Submissions (2):

CeGaT Center for Human Genetics Tuebingen
Classification: Likely benign. Last evaluated: 2024-12-01. Review status: criteria provided, single submitter. Criteria: CeGaT Center For Human Genetics Tuebingen Variant Classification Criteria Version 2. Collection method: clinical testing. Allele origin: germline. Affected: yes. Observed: 1 variant allele.
Comment: KDM5C: BP4, BP7, BS2

Labcorp Genetics (formerly Invitae), Labcorp
Classification: Likely benign for Spastic paraplegia. Last evaluated: 2023-07-07. Review status: criteria provided, single submitter. Criteria: Invitae Variant Classification Sherloc (09022015). Collection method: clinical testing. Allele origin: germline.